The following is an entry in ClinVar:

NM_015404.4(WHRN):c.2256G>C (p.Gln752His)

Gene: WHRN (whirlin; minus strand). Cytogenetic location: 9q32.
Variant type: single nucleotide variant.
Coding change: c.2256G>C on transcript NM_015404.4 (MANE Select); coding-DNA position 2256, G replaced by C.
Protein change: p.Gln752His; replaces glutamine 752 with histidine.
Molecular consequence: missense variant.
Genome position (GRCh38, 1-based): chr9:114,404,058, C>G on the plus strand (G>C on the coding strand, the complement: WHRN is on the minus strand). VCF-style: chr9-114404058-C-G. GRCh37 (hg19) VCF-style: chr9-117166338-G-G.
Other names: c.1107G>C, p.Gln369His (NM_001083885.3); c.2253G>C, p.Gln751His (NM_001173425.2); c.1203G>C, p.Gln401His (NM_001346890.1); short protein forms Q752H, Q369H, Q401H, Q751H.
Identifiers: ClinVar variation 177749 (VCV000177749.16), dbSNP rs6478078, ClinGen allele CA180696.
Genomic context (GRCh38, chr9:114,404,058, plus strand): 5'-CTCTGCCTCGCCAGCATCCACACCACTGTCCTCGCTTAGAGTCTGCCCGCTGTCCGAGAG[C>G]TGGGAGAGCGTAGAGGCTGCTGGAGAGGGGAAAAGGAAGAGAGAAGCAGCTTATATAGCT-3'
Protein context (NP_056219.3, residues 742-762): PQTRTASTLS[Gln752His]LSDSGQTLSE

ClinVar aggregate classification (germline): Benign. Review status: criteria provided, multiple submitters, no conflicts (2 of 4 stars). 2 submissions from 2 submitters: Benign (2). Last evaluated 2026-01-28.

Allele frequency attached by ClinVar (database versions not stated): gnomAD exomes 0.00045; gnomAD 0.00530 and 0.00544; TOPMed 0.00571; 1000 Genomes Project 30x 0.01109.
gnomAD v4.1: 1,504 of 1,613,212 alleles (0.093%); highest among the groups gnomAD compares: African/African-American, 1.8%; 11 homozygotes.

Submissions (2):

Labcorp Genetics (formerly Invitae), Labcorp
Classification: Benign. Last evaluated: 2026-01-28. Review status: criteria provided, single submitter. Criteria: Invitae Variant Classification Sherloc (09022015). Collection method: clinical testing. Allele origin: germline.

Laboratory for Molecular Medicine, Mass General Brigham Personalized Medicine
Classification: Benign. Last evaluated: 2011-09-25. Review status: criteria provided, single submitter. Criteria: LMM Criteria. Collection method: clinical testing. Allele origin: germline. Observed: 1 variant allele.
Comment: Gln752His in exon 10 of DFNB31: This variant is not expected to have clinical si gnificance because it has been identified in 0.9% (41/4544) controls (rs6478078) .